The following is an entry in ClinVar:

ClinVar aggregate classification (germline): Uncertain significance (1 of 4 stars; one submission).

Conditions:
Developmental and epileptic encephalopathy, 23 (DEE23). Also called: Epileptic encephalopathy, early infantile, 23. Identifiers: Orphanet 411986, MedGen C4014492, MONDO:0014371, OMIM 615859.

Submission:

Labcorp Genetics (formerly Invitae), Labcorp
Classification: Uncertain significance for Developmental and epileptic encephalopathy, 23. Last evaluated: 2022-03-19. Review status: criteria provided, single submitter. Criteria: Invitae Variant Classification Sherloc (09022015). Collection method: clinical testing. Allele origin: germline.
Comment: This variant has not been reported in the literature in individuals affected with DOCK7-related conditions. This variant is not present in population databases (gnomAD no frequency). This sequence change replaces alanine, which is neutral and non-polar, with threonine, which is neutral and polar, at codon 321 of the DOCK7 protein (p.Ala321Thr). ClinVar contains an entry for this variant (Variation ID: 965554). In summary, the available evidence is currently insufficient to determine the role of this variant in disease. Therefore, it has been classified as a Variant of Uncertain Significance. Algorithms developed to predict the effect of missense changes on protein structure and function are either unavailable or do not agree on the potential impact of this missense change (SIFT: "Tolerated"; PolyPhen-2: "Possibly Damaging"; Align-GVGD: "Class C0").

NM_001367561.1(DOCK7):c.961G>A (p.Ala321Thr)

Gene: DOCK7 (dedicator of cytokinesis 7; minus strand). Cytogenetic location: 1p31.3.
Variant type: single nucleotide variant.
Coding change: c.961G>A on transcript NM_001367561.1 (MANE Select); coding-DNA position 961, G replaced by A.
Protein change: p.Ala321Thr; replaces alanine 321 with threonine.
Molecular consequence: missense variant.
Genome position (GRCh38, 1-based): chr1:62,634,847, C>T on the plus strand (G>A on the coding strand, the complement: DOCK7 is on the minus strand). VCF-style: chr1-62634847-C-T. GRCh37 (hg19) VCF-style: chr1-63100518-C-T.
Other names: c.961G>A, p.Ala321Thr (NM_001271999.2, NM_001272000.2, NM_001272001.2 and 3 more transcripts); short protein forms A321T.
Identifiers: ClinVar variation 965554 (VCV000965554.10), dbSNP rs1655055584, ClinGen allele CA340622029.